The following is an entry in ClinVar:

ClinVar aggregate classification (germline): Uncertain significance (1 of 4 stars; one submission).

Conditions:
Ataxia-telangiectasia syndrome (AT). Also called: ATAXIA-TELANGIECTASIA, FRESNO VARIANT; Ataxia-telangiectasia, complementation group E; Ataxia telangiectasia (A-T); LOUIS-BAR SYNDROME; Ataxia-telangiectasia, complementation group D; AT, COMPLEMENTATION GROUP C. Identifiers: Orphanet 100, MedGen C0004135, MONDO:0008840, OMIM 208900.

Allele frequency attached by ClinVar (database versions not stated): TOPMed below 0.00001.

Submission:

Labcorp Genetics (formerly Invitae), Labcorp
Classification: Uncertain significance for Ataxia-telangiectasia syndrome. Last evaluated: 2025-04-07. Review status: criteria provided, single submitter. Criteria: Invitae Variant Classification Sherloc (09022015). Collection method: clinical testing. Allele origin: germline.
Comment: This sequence change replaces glutamine, which is neutral and polar, with histidine, which is basic and polar, at codon 1171 of the ATM protein (p.Gln1171His). This variant is not present in population databases (gnomAD no frequency). This variant has not been reported in the literature in individuals affected with ATM-related conditions. ClinVar contains an entry for this variant (Variation ID: 970704). Invitae Evidence Modeling of protein sequence and biophysical properties (such as structural, functional, and spatial information, amino acid conservation, physicochemical variation, residue mobility, and thermodynamic stability) indicates that this missense variant is not expected to disrupt ATM protein function with a negative predictive value of 95%. In summary, the available evidence is currently insufficient to determine the role of this variant in disease. Therefore, it has been classified as a Variant of Uncertain Significance.

NM_000051.4(ATM):c.3513G>C (p.Gln1171His)

Gene: ATM (ATM serine/threonine kinase; plus strand). Cytogenetic location: 11q22.3.
Variant type: single nucleotide variant.
Coding change: c.3513G>C on transcript NM_000051.4 (MANE Select); coding-DNA position 3513, G replaced by C.
Protein change: p.Gln1171His; replaces glutamine 1171 with histidine.
Molecular consequence: missense variant.
Genome position (GRCh38, 1-based): chr11:108,281,105, G>C. VCF-style: chr11-108281105-G-C. GRCh37 (hg19) VCF-style: chr11-108151832-G-C.
Other names: c.3513G>C, p.Gln1171His (NM_001351834.2); short protein forms Q1171H.
Identifiers: ClinVar variation 970704 (VCV000970704.9), dbSNP rs757201878, ClinGen allele CA382519946.